The following is an entry in ClinVar:

NM_003107.3(SOX4):c.1166C>A (p.Ser389Tyr)

Gene: SOX4 (SRY-box transcription factor 4; plus strand). Cytogenetic location: 6p22.3.
Variant type: single nucleotide variant.
Coding change: c.1166C>A on transcript NM_003107.3 (MANE Select); coding-DNA position 1166, C replaced by A.
Protein change: p.Ser389Tyr; replaces serine 389 with tyrosine.
Molecular consequence: missense variant.
Genome position (GRCh38, 1-based): chr6:21,595,700, C>A. VCF-style: chr6-21595700-C-A. GRCh37 (hg19) VCF-style: chr6-21595931-C-A.
Other names: short protein forms S389Y.
Identifiers: ClinVar variation 5018265 (VCV005018265.1).

ClinVar aggregate classification (germline): Uncertain significance (1 of 4 stars; one submission).

Submission:

GeneDx
Classification: Uncertain significance. Last evaluated: 2026-04-08. Review status: criteria provided, single submitter. Criteria: GeneDx Variant Classification Process June 2021. Collection method: clinical testing. Allele origin: germline.
Comment: Not observed at significant frequency in large population cohorts (gnomAD); In silico analysis supports that this missense variant has a deleterious effect on protein structure/function; Has not been previously published as pathogenic or benign to our knowledge